The following is an entry in ClinVar:

NM_015272.5(RPGRIP1L):c.1702C>T (p.Gln568Ter)

Gene: RPGRIP1L (RPGRIP1 like; minus strand). Cytogenetic location: 16q12.2.
Variant type: single nucleotide variant.
Coding change: c.1702C>T on transcript NM_015272.5 (MANE Select); coding-DNA position 1702, C replaced by T.
Protein change: p.Gln568Ter; replaces glutamine 568 with a stop codon.
Molecular consequence: nonsense.
Genome position (GRCh38, 1-based): chr16:53,652,985, G>A on the plus strand (C>T on the coding strand, the complement: RPGRIP1L is on the minus strand). VCF-style: chr16-53652985-G-A. GRCh37 (hg19) VCF-style: chr16-53686897-G-A.
Other names: c.1702C>T, p.Gln568Ter (NM_001127897.4, NM_001308334.3, NM_001330538.2); short protein forms Q568*.
Identifiers: ClinVar variation 2942992 (VCV002942992.3), dbSNP rs1349804201, ClinGen allele CA395917519.

ClinVar aggregate classification (germline): Pathogenic (1 of 4 stars; one submission).

Conditions:
Joubert syndrome. Also called: CEREBELLOPARENCHYMAL DISORDER IV; JOUBERT-BOLTSHAUSER SYNDROME; Familial aplasia of the vermis. Identifiers: Orphanet 475, MedGen C5979921, MONDO:0018772.
Meckel-Gruber syndrome. Also called: DYSENCEPHALIA SPLANCHNOCYSTICA; GRUBER SYNDROME; Dysencephalia splachnocystica. Identifiers: Orphanet 564, MedGen C0265215, MONDO:0018921.

Allele frequency attached by ClinVar (database versions not stated): gnomAD 0.00001.
gnomAD v4.1: 2 of 1,610,598 alleles (0.00012%); highest among the groups gnomAD compares: Non-Finnish European, 0.00017%; no homozygotes.

Submission:

Labcorp Genetics (formerly Invitae), Labcorp
Classification: Pathogenic for Joubert syndrome; Meckel-Gruber syndrome. Last evaluated: 2023-01-07. Review status: criteria provided, single submitter. Criteria: Invitae Variant Classification Sherloc (09022015). Collection method: clinical testing. Allele origin: germline.
Comment: This sequence change creates a premature translational stop signal (p.Gln568*) in the RPGRIP1L gene. It is expected to result in an absent or disrupted protein product. Loss-of-function variants in RPGRIP1L are known to be pathogenic (PMID: 17558409). This variant is present in population databases (no rsID available, gnomAD 0.01%). This variant has not been reported in the literature in individuals affected with RPGRIP1L-related conditions. For these reasons, this variant has been classified as Pathogenic.

Literature cited by the submitters: PubMed 17558409.